The following is an entry in ClinVar:

NM_000535.7(PMS2):c.957A>G (p.Pro319=)

Gene: PMS2 (PMS1 homolog 2, mismatch repair system component; minus strand). Cytogenetic location: 7p22.1.
Variant type: single nucleotide variant.
Coding change: c.957A>G on transcript NM_000535.7 (MANE Select); coding-DNA position 957, A replaced by G.
Protein change: p.Pro319=; no amino-acid change (proline 319 retained).
Molecular consequence: synonymous variant. On other transcripts: non-coding transcript variant (1).
Genome position (GRCh38, 1-based): chr7:5,992,004, T>C on the plus strand (A>G on the coding strand, the complement: PMS2 is on the minus strand). VCF-style: chr7-5992004-T-C. GRCh37 (hg19) VCF-style: chr7-6031635-T-C.
Other names: c.552A>G, p.Pro184= (NM_001322003.2, NM_001322004.2, NM_001322005.2 and 2 more transcripts); c.957A>G, p.Pro319= (NM_001322006.2, NM_001322014.2); c.639A>G, p.Pro213= (NM_001322007.2, NM_001322008.2); c.24A>G, p.Pro8= (NM_001322011.2, NM_001322012.2); c.384A>G, p.Pro128= (NM_001322013.2); c.648A>G, p.Pro216= (NM_001322015.2); c.957A>G (NM_000535.5).
Identifiers: ClinVar variation 1091650 (VCV001091650.11), dbSNP rs2128755431, ClinGen allele CA453645156.

ClinVar aggregate classification (germline): Benign/Likely benign. Review status: criteria provided, multiple submitters, no conflicts (2 of 4 stars). 3 submissions from 3 submitters: Benign (1); Likely benign (2). Last evaluated 2025-05-22.

Conditions:
Hereditary cancer-predisposing syndrome. Also called: Hereditary Cancer Syndrome; Neoplastic Syndromes, Hereditary; Hereditary neoplastic syndrome; Tumor predisposition. Identifiers: Orphanet 140162, MedGen C0027672, MeSH D009386, MONDO:0015356.
Lynch syndrome 4 (LYNCH4). Also called: Colorectal cancer, hereditary nonpolyposis, type 4; Hereditary non-polyposis colorectal cancer, type 4. Identifiers: Orphanet 144, MedGen C1838333, MONDO:0013699, OMIM 614337. Disease mechanism: loss of function.
Hereditary nonpolyposis colorectal neoplasms. Identifiers: MedGen C0009405, MeSH D003123.

Submissions (3):

Labcorp Genetics (formerly Invitae), Labcorp
Classification: Likely benign for Hereditary nonpolyposis colorectal neoplasms. Last evaluated: 2025-05-22. Review status: criteria provided, single submitter. Criteria: Invitae Variant Classification Sherloc (09022015). Collection method: clinical testing. Allele origin: germline.

Ambry Genetics
Classification: Likely benign for Hereditary cancer-predisposing syndrome. Last evaluated: 2025-04-05. Review status: criteria provided, single submitter. Criteria: Ambry Variant Classification Scheme 2023. Collection method: clinical testing. Allele origin: germline.

Myriad Genetics, Inc.
Classification: Benign for Lynch syndrome 4. Last evaluated: 2025-01-29. Review status: criteria provided, single submitter. Criteria: Myriad Autosomal Dominant, Autosomal Recessive and X-Linked Classification Criteria (2023). Collection method: clinical testing. Allele origin: unknown.
Comment: This variant is considered benign. This variant is a silent/synonymous amino acid change and it is not expected to impact splicing.